The following is an entry in ClinVar:

ClinVar aggregate classification (germline): Pathogenic (1 of 4 stars; one submission).

Conditions:
X-linked agammaglobulinemia with growth hormone deficiency (IGHD3). Also called: HYPOGAMMAGLOBULINEMIA AND ISOLATED GROWTH HORMONE DEFICIENCY, X-LINKED; IGHD III; AGAMMAGLOBULINEMIA AND ISOLATED GROWTH HORMONE DEFICIENCY, X-LINKED; FLEISHER SYNDROME; ISOLATED GROWTH HORMONE DEFICIENCY, TYPE III, WITH AGAMMAGLOBULINEMIA; Isolated growth hormone deficiency type 3. Identifiers: Orphanet 231692, Orphanet 631, MedGen C0472813, MONDO:0010615, OMIM 307200.

Submission:

Labcorp Genetics (formerly Invitae), Labcorp
Classification: Pathogenic for X-linked agammaglobulinemia with growth hormone deficiency. Last evaluated: 2025-03-12. Review status: criteria provided, single submitter. Criteria: Invitae Variant Classification Sherloc (09022015). Collection method: clinical testing. Allele origin: germline.
Comment: This sequence change creates a premature translational stop signal (p.Gly303Valfs*28) in the BTK gene. It is expected to result in an absent or disrupted protein product. Loss-of-function variants in BTK are known to be pathogenic (PMID: 15661032, 16862044, 19419768). This variant is not present in population databases (gnomAD no frequency). This variant has not been reported in the literature in individuals affected with BTK-related conditions. For these reasons, this variant has been classified as Pathogenic.

Literature cited by the submitters: PubMed 15661032; PubMed 16862044; PubMed 19419768.

NM_000061.3(BTK):c.908del (p.Gly303fs)

Gene: BTK (Bruton tyrosine kinase; minus strand). Cytogenetic location: Xq22.1.
Variant type: Deletion.
Coding change: c.908del on transcript NM_000061.3 (MANE Select); coding-DNA position 908, one base deleted (G; older notation c.908delG).
Protein change: p.Gly303fs; shifts the reading frame from glycine 303.
Molecular consequence: frameshift variant.
Genome position (GRCh38, 1-based): chrX:101,358,683, C deleted on the plus strand (G on the coding strand, the reverse complement: BTK is on the minus strand); the first of 2 consecutive C bases (chrX:101,358,683-101,358,684); deleting either gives the same sequence. VCF-style (leftmost placement, unchanged base first): chrX-101358682-AC-A. GRCh37 (hg19) VCF-style: chrX-100613670-AC-A.
Other names: c.1010del, p.Gly337fs (NM_001287344.2); c.908del, p.Gly303fs (NM_001287345.2); short protein forms G337fs, G303fs.
Identifiers: ClinVar variation 4714937 (VCV004714937.1).